The following is an entry in ClinVar:

NM_006343.3(MERTK):c.170G>A (p.Ser57Asn)

Gene: MERTK (MER proto-oncogene, tyrosine kinase; plus strand). Cytogenetic location: 2q13.
Variant type: single nucleotide variant.
Coding change: c.170G>A on transcript NM_006343.3 (MANE Select); coding-DNA position 170, G replaced by A.
Protein change: p.Ser57Asn; replaces serine 57 with asparagine.
Molecular consequence: missense variant.
Genome position (GRCh38, 1-based): chr2:111,929,228, G>A. VCF-style: chr2-111929228-G-A. GRCh37 (hg19) VCF-style: chr2-112686805-G-A.
Other names: short protein forms S57N.
Identifiers: ClinVar variation 1466149 (VCV001466149.8), dbSNP rs1051108169, ClinGen allele CA53560988.

ClinVar aggregate classification (germline): Uncertain significance (1 of 4 stars; one submission).

Allele frequency attached by ClinVar (database versions not stated): gnomAD 0.00001; TOPMed 0.00001.

Submission:

Labcorp Genetics (formerly Invitae), Labcorp
Classification: Uncertain significance. Last evaluated: 2022-02-04. Review status: criteria provided, single submitter. Criteria: Invitae Variant Classification Sherloc (09022015). Collection method: clinical testing. Allele origin: germline.
Comment: This variant has not been reported in the literature in individuals affected with MERTK-related conditions. This variant is not present in population databases (gnomAD no frequency). This sequence change replaces serine, which is neutral and polar, with asparagine, which is neutral and polar, at codon 57 of the MERTK protein (p.Ser57Asn). Algorithms developed to predict the effect of missense changes on protein structure and function (SIFT, PolyPhen-2, Align-GVGD) all suggest that this variant is likely to be tolerated. In summary, the available evidence is currently insufficient to determine the role of this variant in disease. Therefore, it has been classified as a Variant of Uncertain Significance.